The following is an entry in ClinVar:

NM_003238.6(TGFB2):c.915T>A (p.Asp305Glu)

Gene: TGFB2 (transforming growth factor beta 2; plus strand). Cytogenetic location: 1q41.
Variant type: single nucleotide variant.
Coding change: c.915T>A on transcript NM_003238.6 (MANE Select); coding-DNA position 915, T replaced by A.
Protein change: p.Asp305Glu; replaces aspartic acid 305 with glutamic acid.
Molecular consequence: missense variant. On other transcripts: non-coding transcript variant (2).
Genome position (GRCh38, 1-based): chr1:218,436,130, T>A. VCF-style: chr1-218436130-T-A. GRCh37 (hg19) VCF-style: chr1-218609472-T-A.
Other names: c.999T>A, p.Asp333Glu (NM_001135599.4); short protein forms D305E, D333E.
Identifiers: ClinVar variation 459271 (VCV000459271.11), dbSNP rs1553303217, ClinGen allele CA344727336.

ClinVar aggregate classification (germline): Uncertain significance (1 of 4 stars; one submission).

Conditions:
Loeys-Dietz syndrome 4 (LDS4). Also called: ANEURYSM, AORTIC AND CEREBRAL, WITH ARTERIAL TORTUOSITY AND SKELETAL MANIFESTATIONS; TGFB2-Related Loeys-Dietz Syndrome. Identifiers: MedGen C3553762, MONDO:0013897, OMIM 614816.

Submission:

Labcorp Genetics (formerly Invitae), Labcorp
Classification: Uncertain significance for Loeys-Dietz syndrome 4. Last evaluated: 2017-02-28. Review status: criteria provided, single submitter. Criteria: Invitae Variant Classification Sherloc (09022015). Collection method: clinical testing. Allele origin: germline.
Comment: In summary, this variant is a novel missense change that is not predicted to affect protein function. There is no indication that it causes disease, but the available evidence is currently insufficient to prove that conclusively. Therefore, it has been classified as a Variant of Uncertain Significance. Algorithms developed to predict the effect of missense changes on protein structure and function (SIFT, PolyPhen-2, Align-GVGD) all suggest that this variant is likely to be tolerated, but these predictions have not been confirmed by published functional studies. This variant is not present in population databases (ExAC no frequency) and has not been reported in the literature in individuals with a TGFB2-related disease. This sequence change replaces aspartic acid with glutamic acid at codon 305 of the TGFB2 protein (p.Asp305Glu). The aspartic acid residue is highly conserved and there is a small physicochemical difference between aspartic acid and glutamic acid.